The following is an entry in ClinVar:

ClinVar aggregate classification (germline): Uncertain significance (1 of 4 stars; one submission).

Conditions:
Gastrointestinal stromal tumor. Also called: Gastrointestinal stromal tumor, somatic; Gastrointestinal stroma tumor. Identifiers: Orphanet 44890, MedGen C0238198, MeSH D046152, MONDO:0011719, OMIM 606764, HP:0100723.

Submission:

Labcorp Genetics (formerly Invitae), Labcorp
Classification: Uncertain significance for Gastrointestinal stromal tumor. Last evaluated: 2019-02-19. Review status: criteria provided, single submitter. Criteria: Invitae Variant Classification Sherloc (09022015). Collection method: clinical testing. Allele origin: germline.
Comment: In summary, the available evidence is currently insufficient to determine the role of this variant in disease. Therefore, it has been classified as a Variant of Uncertain Significance. Experimental studies and prediction algorithms are not available for this variant, and the functional significance of the affected amino acid is currently unknown. This variant has not been reported in the literature in individuals with PDGFRA-related conditions. This variant is not present in population databases (ExAC no frequency). This variant, c.2475_2477del, results in the deletion of 1 amino acid of the PDGFRA protein (p.Leu826del), but otherwise preserves the integrity of the reading frame.

NM_006206.6(PDGFRA):c.2472CCT[1] (p.Leu826del)

Gene: PDGFRA (platelet derived growth factor receptor alpha; plus strand). Cytogenetic location: 4q12.
Variant type: Microsatellite.
Coding change: c.2472CCT[1] on transcript NM_006206.6 (MANE Select); one copy of the 3-base unit CCT starting at c.2472; the reference has two copies in a row; one copy, 3 bases deleted.
Protein change: p.Leu826del; deletes leucine 826.
Molecular consequence: inframe deletion.
Genome position (GRCh38, 1-based): chr4:54,285,876-54,285,878, CCT deleted; deleting any 3 consecutive bases within chr4:54,285,872-54,285,878 gives the same sequence; the position shown is the placement nearest the transcript's 3' end. VCF-style (leftmost placement, unchanged base first): chr4-54285871-GTCC-G. GRCh37 (hg19) VCF-style: chr4-55152038-GTCC-G.
Other names: c.2547CCT[1], p.Leu851del (NM_001347828.2); c.2472CCT[1], p.Leu826del (NM_001347829.2); c.2511CCT[1], p.Leu839del (NM_001347830.2); short protein forms L826del, L839del, L851del.
Identifiers: ClinVar variation 856050 (VCV000856050.10), dbSNP rs1724329978, ClinGen allele CA916081448.
Genomic context (GRCh38, chr4:54,285,871, plus strand): 5'-TCCTGAGTCATTTCTTCCTTTTCCATGCAGTGTGTCCACCGTGATCTGGCTGCTCGCAAC[GTCC>G]TCCTGGCACAAGGAAAAATTGTGAAGATCTGTGACTTTGGCCTGGCCAGAGACATCATGC-3'